The following is an entry in ClinVar:

NM_130384.3(ATRIP):c.998T>C (p.Leu333Pro)

Genes: ATRIP (ATR interacting protein; plus strand), ATRIP-TREX1 (ATRIP-TREX1 readthrough; plus strand). Cytogenetic location: 3p21.31.
Variant type: single nucleotide variant.
Coding change: c.998T>C on transcript NM_130384.3 (MANE Select); coding-DNA position 998, T replaced by C.
Protein change: p.Leu333Pro; replaces leucine 333 with proline.
Molecular consequence: missense variant. On other transcripts: non-coding transcript variant (1).
Genome position (GRCh38, 1-based): chr3:48,459,859, T>C. VCF-style: chr3-48459859-T-C. GRCh37 (hg19) VCF-style: chr3-48501258-T-C.
Other names: c.617T>C, p.Leu206Pro (NM_001271022.2); c.719T>C, p.Leu240Pro (NM_001271023.2); c.998T>C, p.Leu333Pro (NM_032166.4); short protein forms L206P, L240P, L333P.
Identifiers: ClinVar variation 3808841 (VCV003808841.1).
Genomic context (GRCh38, chr3:48,459,859, plus strand): 5'-TAAACCTGCTCCTGAAGCAGCCTTTGATCCCAGGGTCATCCCTAAGCCTTTGCCACCTCC[T>C]GAGTAGTAGTTCTGAGTCTCCTGCTGGCACCCCCCTGCAGCCACCAGGGTTTGGCAGGTA-3'
Protein context (NP_569055.1, residues 323-343): PGSSLSLCHL[Leu333Pro]SSSSESPAGT

ClinVar aggregate classification (germline): Uncertain significance (1 of 4 stars; one submission).

gnomAD v4.1: 9 of 1,614,062 alleles (0.00056%); highest among the groups gnomAD compares: South Asian, 0.0099%; no homozygotes.

Submission:

Ambry Genetics
Classification: Uncertain significance. Last evaluated: 2024-12-31. Review status: criteria provided, single submitter. Criteria: Ambry Variant Classification Scheme 2023. Collection method: clinical testing. Allele origin: germline.
Comment: The p.L333P variant (also known as c.998T>C), located in coding exon 7 of the ATRIP gene, results from a T to C substitution at nucleotide position 998. The leucine at codon 333 is replaced by proline, an amino acid with similar properties. This amino acid position is highly conserved in available vertebrate species. In addition, this alteration is predicted to be deleterious by in silico analysis. The evidence for this gene-disease relationship is limited; therefore, the clinical significance of this alteration is unclear.